The following is an entry in ClinVar:

NM_152594.3(SPRED1):c.1183A>G (p.Thr395Ala)

Gene: SPRED1 (sprouty related EVH1 domain containing 1; plus strand). Cytogenetic location: 15q14.
Variant type: single nucleotide variant.
Coding change: c.1183A>G on transcript NM_152594.3 (MANE Select); coding-DNA position 1183, A replaced by G.
Protein change: p.Thr395Ala; replaces threonine 395 with alanine.
Molecular consequence: missense variant.
Genome position (GRCh38, 1-based): chr15:38,351,512, A>G. VCF-style: chr15-38351512-A-G. GRCh37 (hg19) VCF-style: chr15-38643713-A-G.
Other names: c.1183A>G (NM_152594.2); short protein forms T395A.
Identifiers: ClinVar variation 3700162 (VCV003700162.3).

ClinVar aggregate classification (germline): Uncertain significance. Review status: criteria provided, multiple submitters, no conflicts (2 of 4 stars). 2 submissions from 2 submitters: Uncertain significance (2). Last evaluated 2025-06-06.

Conditions:
Cardiovascular phenotype. Identifiers: MedGen CN230736.
Legius syndrome. Identifiers: Orphanet 137605, MedGen C1969623, MONDO:0012669, OMIM 611431. Disease mechanism: loss of function.

Submissions (2):

Ambry Genetics
Classification: Uncertain significance for Cardiovascular phenotype. Last evaluated: 2025-06-06. Review status: criteria provided, single submitter. Criteria: Ambry Variant Classification Scheme 2023. Collection method: clinical testing. Allele origin: germline.
Comment: The p.T395A variant (also known as c.1183A>G), located in coding exon 7 of the SPRED1 gene, results from an A to G substitution at nucleotide position 1183. The threonine at codon 395 is replaced by alanine, an amino acid with similar properties. This amino acid position is conserved. In addition, this alteration is predicted to be tolerated by in silico analysis. Based on the available evidence, the clinical significance of this variant remains unclear.

Labcorp Genetics (formerly Invitae), Labcorp
Classification: Uncertain significance for Legius syndrome. Last evaluated: 2024-03-27. Review status: criteria provided, single submitter. Criteria: Invitae Variant Classification Sherloc (09022015). Collection method: clinical testing. Allele origin: germline.
Comment: This sequence change replaces threonine, which is neutral and polar, with alanine, which is neutral and non-polar, at codon 395 of the SPRED1 protein (p.Thr395Ala). This variant is not present in population databases (gnomAD no frequency). This variant has not been reported in the literature in individuals affected with SPRED1-related conditions. Advanced modeling of protein sequence and biophysical properties (such as structural, functional, and spatial information, amino acid conservation, physicochemical variation, residue mobility, and thermodynamic stability) performed at Invitae indicates that this missense variant is not expected to disrupt SPRED1 protein function with a negative predictive value of 80%. In summary, the available evidence is currently insufficient to determine the role of this variant in disease. Therefore, it has been classified as a Variant of Uncertain Significance.